The following is an entry in ClinVar:

ClinVar aggregate classification (germline): Uncertain significance (1 of 4 stars; one submission).

Conditions:
Primary ciliary dyskinesia 6. Also called: Primary Ciliary Dyskinesia 6: TXNDC3-Related Primary Ciliary Dyskinesia. Identifiers: Orphanet 244, MedGen C1970506, MONDO:0012571, OMIM 610852.

Submission:

Labcorp Genetics (formerly Invitae), Labcorp
Classification: Uncertain significance for Primary ciliary dyskinesia 6. Last evaluated: 2023-02-23. Review status: criteria provided, single submitter. Criteria: Invitae Variant Classification Sherloc (09022015). Collection method: clinical testing. Allele origin: germline.
Comment: In summary, the available evidence is currently insufficient to determine the role of this variant in disease. Therefore, it has been classified as a Variant of Uncertain Significance. Variants that disrupt the consensus splice site are a relatively common cause of aberrant splicing (PMID: 17576681, 9536098). Algorithms developed to predict the effect of sequence changes on RNA splicing suggest that this variant may disrupt the consensus splice site. This sequence change replaces serine, which is neutral and polar, with isoleucine, which is neutral and non-polar, at codon 380 of the NME8 protein (p.Ser380Ile). This variant also falls at the last nucleotide of exon 13, which is part of the consensus splice site for this exon. This variant is not present in population databases (gnomAD no frequency). This variant has not been reported in the literature in individuals affected with NME8-related conditions. An algorithm developed to predict the effect of missense changes on protein structure and function (PolyPhen-2) suggests that this variant is likely to be disruptive.

Literature cited by the submitters: PubMed 17576681; PubMed 9536098.

NM_016616.5(NME8):c.1139G>T (p.Ser380Ile)

Gene: NME8 (NME/NM23 family member 8; plus strand). Cytogenetic location: 7p14.1.
Variant type: single nucleotide variant.
Coding change: c.1139G>T on transcript NM_016616.5 (MANE Select); coding-DNA position 1139, G replaced by T.
Protein change: p.Ser380Ile; replaces serine 380 with isoleucine.
Molecular consequence: missense variant.
Genome position (GRCh38, 1-based): chr7:37,884,447, G>T. VCF-style: chr7-37884447-G-T. GRCh37 (hg19) VCF-style: chr7-37924049-G-T.
Other names: short protein forms S380I.
Identifiers: ClinVar variation 2797332 (VCV002797332.3), dbSNP rs1785010820, ClinGen allele CA367215881.